The following is an entry in ClinVar:

NM_205834.4(LSR):c.1775dup (p.Leu592fs)

Gene: LSR (lipolysis stimulated lipoprotein receptor; plus strand). Cytogenetic location: 19q13.12.
Variant type: Duplication.
Coding change: c.1775dup on transcript NM_205834.4 (MANE Select); coding-DNA position 1775, one base duplicated (T; older notation c.1775dupT).
Protein change: p.Leu592fs; shifts the reading frame from leucine 592.
Molecular consequence: frameshift variant.
Genome position (GRCh38, 1-based): chr19:35,267,828, T duplicated; the last of 2 consecutive T bases (chr19:35,267,827-35,267,828); duplicating either gives the same sequence. VCF-style (leftmost placement, unchanged base first): chr19-35267826-C-CT. GRCh37 (hg19) VCF-style: chr19-35758729-C-CT.
Other names: c.1715dup, p.Leu572fs (NM_001260489.2); c.1451dup, p.Leu484fs (NM_001260490.2); c.1568dup, p.Leu523fs (NM_001385215.1); c.1718dup, p.Leu573fs (NM_015925.7); c.1571dup, p.Leu524fs (NM_205835.4); short protein forms L573fs, L523fs, L524fs, L572fs, L484fs, L592fs.
Identifiers: ClinVar variation 3722657 (VCV003722657.2).

ClinVar aggregate classification (germline): Uncertain significance (1 of 4 stars; one submission).

Submission:

Labcorp Genetics (formerly Invitae), Labcorp
Classification: Uncertain significance. Last evaluated: 2024-10-10. Review status: criteria provided, single submitter. Criteria: Invitae Variant Classification Sherloc (09022015). Collection method: clinical testing. Allele origin: germline.
Comment: This sequence change results in a frameshift in the LSR gene (p.Leu640Phefs*13). While this is not anticipated to result in nonsense mediated decay, it is expected to disrupt the last 10 amino acid(s) of the LSR protein and extend the protein by 2 additional amino acid residues. This variant is not present in population databases (gnomAD no frequency). This variant has not been reported in the literature in individuals affected with LSR-related conditions. Experimental studies and prediction algorithms are not available or were not evaluated, and the functional significance of this variant is currently unknown. In summary, the available evidence is currently insufficient to determine the role of this variant in disease. Therefore, it has been classified as a Variant of Uncertain Significance.